The following is an entry in ClinVar:

ClinVar aggregate classification (germline): Uncertain significance (1 of 4 stars; one submission).

Submission:

Women's Health and Genetics/Laboratory Corporation of America, LabCorp
Classification: Uncertain significance. Last evaluated: 2026-03-05. Review status: criteria provided, single submitter. Criteria: LabCorp Variant Classification Summary - May 2015. Collection method: clinical testing. Allele origin: germline.
Comment: Variant summary: ADGRV1 c.18706G>C (p.Ala6236Pro) results in a non-conservative amino acid change in the encoded protein sequence. Algorithms developed to predict the effect of missense changes on protein structure and function are either unavailable or do not agree on the potential impact of this missense change. The variant was absent in 245202 control chromosomes. The available data on variant occurrences in the general population are insufficient to allow any conclusion about variant significance. To our knowledge, no occurrence of c.18706G>C in individuals affected with ADGRV1-related conditions and no experimental evidence demonstrating its impact on protein function have been reported. No submitters have cited clinical-significance assessments for this variant to ClinVar. Based on the evidence outlined above, the variant was classified as uncertain significance.

NM_032119.4(ADGRV1):c.18706G>C (p.Ala6236Pro)

Gene: ADGRV1 (adhesion G protein-coupled receptor V1; plus strand). Cytogenetic location: 5q14.3.
Variant type: single nucleotide variant.
Coding change: c.18706G>C on transcript NM_032119.4 (MANE Select); coding-DNA position 18706, G replaced by C.
Protein change: p.Ala6236Pro; replaces alanine 6236 with proline.
Molecular consequence: missense variant. On other transcripts: non-coding transcript variant (1).
Genome position (GRCh38, 1-based): chr5:91,153,302, G>C. VCF-style: chr5-91153302-G-C. GRCh37 (hg19) VCF-style: chr5-90449119-G-C.
Other names: short protein forms A6236P.
Identifiers: ClinVar variation 4847452 (VCV004847452.1).